The following is an entry in ClinVar:

NM_001170629.2(CHD8):c.6002C>T (p.Pro2001Leu)

Gene: CHD8 (chromodomain helicase DNA binding protein 8; minus strand). Cytogenetic location: 14q11.2.
Variant type: single nucleotide variant.
Coding change: c.6002C>T on transcript NM_001170629.2 (MANE Select); coding-DNA position 6002, C replaced by T.
Protein change: p.Pro2001Leu; replaces proline 2001 with leucine.
Molecular consequence: missense variant.
Genome position (GRCh38, 1-based): chr14:21,393,793, G>A on the plus strand (C>T on the coding strand, the complement: CHD8 is on the minus strand). VCF-style: chr14-21393793-G-A. GRCh37 (hg19) VCF-style: chr14-21861952-G-A.
Other names: c.5165C>T, p.Pro1722Leu (NM_020920.4); short protein forms P1722L, P2001L.
Identifiers: ClinVar variation 2412858 (VCV002412858.3), dbSNP rs2501856789, ClinGen allele CA388880615.

ClinVar aggregate classification (germline): Uncertain significance (1 of 4 stars; one submission).

Submission:

GeneDx
Classification: Uncertain significance. Last evaluated: 2022-07-26. Review status: criteria provided, single submitter. Criteria: GeneDx Variant Classification Process June 2021. Collection method: clinical testing. Allele origin: germline. Affected: yes.
Comment: Not observed at significant frequency in large population cohorts (gnomAD); In silico analysis supports that this missense variant does not alter protein structure/function; Has not been previously published as pathogenic or benign to our knowledge